The following is an entry in ClinVar:

ClinVar aggregate classification (germline): Uncertain significance. Review status: criteria provided, multiple submitters, no conflicts (2 of 4 stars). 2 submissions from 2 submitters: Uncertain significance (2). Last evaluated 2025-01-27.

Allele frequency attached by ClinVar (database versions not stated): gnomAD 0.00001; gnomAD exomes 0.00002; TOPMed 0.00005; ExAC 0.00007; ESP Exome Variant Server 0.00008.
gnomAD v4.1: 41 of 1,613,508 alleles (0.0025%); highest among the groups gnomAD compares: South Asian, 0.0088%; no homozygotes.

Submissions (2):

Ambry Genetics
Classification: Uncertain significance. Last evaluated: 2025-01-27. Review status: criteria provided, single submitter. Criteria: Ambry Variant Classification Scheme 2023. Collection method: clinical testing. Allele origin: germline.

Labcorp Genetics (formerly Invitae), Labcorp
Classification: Uncertain significance. Last evaluated: 2024-01-22. Review status: criteria provided, single submitter. Criteria: Invitae Variant Classification Sherloc (09022015). Collection method: clinical testing. Allele origin: germline.
Comment: This sequence change replaces proline, which is neutral and non-polar, with leucine, which is neutral and non-polar, at codon 760 of the CTDP1 protein (p.Pro760Leu). This variant is present in population databases (rs145506051, gnomAD 0.006%). This variant has not been reported in the literature in individuals affected with CTDP1-related conditions. ClinVar contains an entry for this variant (Variation ID: 2081145). An algorithm developed to predict the effect of missense changes on protein structure and function (PolyPhen-2) suggests that this variant is likely to be disruptive. In summary, the available evidence is currently insufficient to determine the role of this variant in disease. Therefore, it has been classified as a Variant of Uncertain Significance.

NM_004715.5(CTDP1):c.2279C>T (p.Pro760Leu)

Gene: CTDP1 (CTD phosphatase subunit 1; plus strand). Cytogenetic location: 18q23.
Variant type: single nucleotide variant.
Coding change: c.2279C>T on transcript NM_004715.5 (MANE Select); coding-DNA position 2279, C replaced by T.
Protein change: p.Pro760Leu; replaces proline 760 with leucine.
Molecular consequence: missense variant.
Genome position (GRCh38, 1-based): chr18:79,717,878, C>T. VCF-style: chr18-79717878-C-T. GRCh37 (hg19) VCF-style: chr18-77477878-C-T.
Other names: c.1922C>T, p.Pro641Leu (NM_001202504.1); c.2279C>T, p.Pro760Leu (NM_001318511.2, NM_048368.4); short protein forms P641L, P760L.
Identifiers: ClinVar variation 2081145 (VCV002081145.4), dbSNP rs145506051, ClinGen allele CA9010543.